The following is an entry in ClinVar:

ClinVar aggregate classification (germline): Uncertain significance (1 of 4 stars; one submission).

Submission:

Labcorp Genetics (formerly Invitae), Labcorp
Classification: Uncertain significance. Last evaluated: 2025-07-30. Review status: criteria provided, single submitter. Criteria: Invitae Variant Classification Sherloc (09022015). Collection method: clinical testing. Allele origin: germline.
Comment: This sequence change creates a premature translational stop signal (p.Arg548Thrfs*2) in the ANLN gene. It is expected to result in an absent or disrupted protein product. However, the current clinical and genetic evidence is not sufficient to establish whether loss-of-function variants in ANLN cause disease. This variant is not present in population databases (gnomAD no frequency). This variant has not been reported in the literature in individuals affected with ANLN-related conditions. In summary, the available evidence is currently insufficient to determine the role of this variant in disease. Therefore, it has been classified as a Variant of Uncertain Significance.

NM_018685.5(ANLN):c.1641dup (p.Arg548fs)

Gene: ANLN (anillin, actin binding protein; plus strand). Cytogenetic location: 7p14.2.
Variant type: Duplication.
Coding change: c.1641dup on transcript NM_018685.5 (MANE Select); coding-DNA position 1641, one base duplicated (A; older notation c.1641dupA).
Protein change: p.Arg548fs; shifts the reading frame from arginine 548.
Molecular consequence: frameshift variant.
Genome position (GRCh38, 1-based): chr7:36,419,251, A duplicated. VCF-style (leftmost placement, unchanged base first): chr7-36419250-T-TA. GRCh37 (hg19) VCF-style: chr7-36458859-T-TA.
Other names: c.1530dup, p.Arg511fs (NM_001284301.3); c.1527dup, p.Arg510fs (NM_001284302.3); short protein forms R548fs, R510fs, R511fs.
Identifiers: ClinVar variation 4771529 (VCV004771529.1).
Genomic context (GRCh38, chr7:36,419,250, plus strand): 5'-CTTTAATTCTTAAATATCTGAGTCACAGTGTCCACCTATTGAAATATTTTTCAGAAGTGA[T>TA]ACGTGAAATTGAGATGAGTGTGGATGATGATGATATCAATAGTTCGAAAGTAATTAATGA-3'